The following is an entry in ClinVar:

ClinVar aggregate classification (germline): Uncertain significance (1 of 4 stars; one submission).

Submission:

GeneDx
Classification: Uncertain significance. Last evaluated: 2024-07-24. Review status: criteria provided, single submitter. Criteria: GeneDx Variant Classification Process June 2021. Collection method: clinical testing. Allele origin: germline. Affected: yes.
Comment: Has not been previously published as pathogenic or benign to our knowledge; Not observed at significant frequency in large population cohorts (gnomAD); In silico analysis supports that this missense variant has a deleterious effect on protein structure/function; This variant is associated with the following publications: (PMID: 19006240, 18767143)

NM_001999.4(FBN2):c.4208G>C (p.Gly1403Ala)

Gene: FBN2 (fibrillin 2; minus strand). Cytogenetic location: 5q23.3.
Variant type: single nucleotide variant.
Coding change: c.4208G>C on transcript NM_001999.4 (MANE Select); coding-DNA position 4208, G replaced by C.
Protein change: p.Gly1403Ala; replaces glycine 1403 with alanine.
Molecular consequence: missense variant.
Genome position (GRCh38, 1-based): chr5:128,332,926, C>G on the plus strand (G>C on the coding strand, the complement: FBN2 is on the minus strand). VCF-style: chr5-128332926-C-G. GRCh37 (hg19) VCF-style: chr5-127668618-C-G.
Other names: short protein forms G1403A.
Identifiers: ClinVar variation 3600913 (VCV003600913.1).